The following is an entry in ClinVar:

NM_002834.5(PTPN11):c.1449T>G (p.Gly483=)

Gene: PTPN11 (protein tyrosine phosphatase non-receptor type 11; plus strand). Cytogenetic location: 12q24.13.
Variant type: single nucleotide variant.
Coding change: c.1449T>G on transcript NM_002834.5 (MANE Select); coding-DNA position 1449, T replaced by G.
Protein change: p.Gly483=; no amino-acid change (glycine 483 retained).
Molecular consequence: synonymous variant.
Genome position (GRCh38, 1-based): chr12:112,489,025, T>G. VCF-style: chr12-112489025-T-G. GRCh37 (hg19) VCF-style: chr12-112926829-T-G.
Other names: c.1449T>G (NM_002834.4); c.1461T>G, p.Gly487= (NM_001330437.2); c.1446T>G, p.Gly482= (NM_001374625.1).
Identifiers: ClinVar variation 44598 (VCV000044598.34), dbSNP rs143238917, ClinGen allele CA134641.

ClinVar aggregate classification (germline): Likely benign. Review status: reviewed by expert panel (3 of 4 stars). 13 submissions from 11 submitters: Likely benign (1). 12 of the submissions do not count toward it. Last evaluated 2019-08-19.

Conditions:
PTPN11-related disorder. Also called: PTPN11-Related Disorders.
Cardiovascular phenotype. Identifiers: MedGen CN230736.
RASopathy. Also called: rasopathies; Noonan spectrum disorder. Identifiers: Orphanet 536391, MedGen C5555857, MONDO:0021060.
LEOPARD syndrome 1 (LPRD1). Also called: LENTIGINOSIS, CARDIOMYOPATHIC; MULTIPLE LENTIGINES SYNDROME; PTPN11-Related LEOPARD Syndrome. Identifiers: Orphanet 500, MedGen C4551484, MONDO:0100082, OMIM 151100.
Noonan syndrome 1 (NS1). Also called: TURNER PHENOTYPE WITH NORMAL KARYOTYPE; FEMALE PSEUDO-TURNER SYNDROME; PTPN11-Related Noonan Syndrome. Identifiers: Orphanet 648, MedGen C4551602, MONDO:0008104, OMIM 163950. Disease mechanism: gain of function.
Metachondromatosis (METCDS). Identifiers: Orphanet 2499, MedGen C0410530, MONDO:0007979, OMIM 156250.

Allele frequency attached by ClinVar (database versions not stated): TOPMed 0.00012; ExAC 0.00002; gnomAD exomes 0.00003 and 0.00012; gnomAD 0.00009.
gnomAD v4.1: 181 of 1,613,286 alleles (0.011%); highest among the groups gnomAD compares: Non-Finnish European, 0.015%; no homozygotes.

Submissions (13):

ClinGen RASopathy Variant Curation Expert Panel
Classification: Likely benign for RASopathy. Last evaluated: 2019-08-19. Review status: reviewed by expert panel. Criteria: ClinGen RASopathy ACMG Specifications v1. Collection method: curation. Allele origin: germline. Inheritance: Autosomal dominant inheritance.
Comment: The filtering allele frequency of the c.1449T>G (p.Gly483=) variant in the PTPN11 gene is .01% (13/129134 with CI 95%) of non-Finnish European alleles in gnomAD (BS1 not met). Computational prediction tools and conservation analysis suggest that the p.Gly483= variant does not impact the protein or splicing (BP4). This is a synonymous variant at a nucleotide that is not highly conserved and is not predicted to impact splicing (BP7). This variant has been observed with another pathogenic variant in PTPN11 for a fully penetrant dominant gene/disorder (BP2; VCV000013326.4; Laboratory for Molecular Medicine internal data). This variant has been observed in many individuals with varying clinical presentations that lack clear associations with a RASopathy (VCV000013326.4; VCV000045358.1). In summary, the clinical significance of the p.Gly483= variant is likely benign. RASopathy-specific ACMG/AMP criteria applied (PMID:29493581): BP2, BP4, BP7.

Labcorp Genetics (formerly Invitae), Labcorp
Classification: Likely benign for RASopathy. Last evaluated: 2026-01-27. Review status: criteria provided, single submitter. Criteria: Invitae Variant Classification Sherloc (09022015). Collection method: clinical testing. Allele origin: germline. Not counted in ClinVar's aggregate classification.

PreventionGenetics, part of Exact Sciences
Classification: Likely benign for PTPN11-related condition. Last evaluated: 2025-07-23. Review status: criteria provided, single submitter. Criteria: ACMG Guidelines, 2015. Collection method: clinical testing. Allele origin: germline. Not counted in ClinVar's aggregate classification.
Comment: This variant is classified as likely benign based on ACMG/AMP sequence variant interpretation guidelines (Richards et al. 2015 PMID: 25741868, with internal and published modifications).

Molecular Diagnostic Laboratory for Inherited Cardiovascular Disease, Montreal Heart Institute
Classification: Likely benign. Last evaluated: 2025-04-09. Review status: criteria provided, single submitter. Criteria: ACMG Guidelines, 2015. Collection method: clinical testing. Allele origin: germline. Affected: no. Not counted in ClinVar's aggregate classification.
Comment: BP6;BP7

Women's Health and Genetics/Laboratory Corporation of America, LabCorp
Classification: Likely benign. Last evaluated: 2022-04-18. Review status: criteria provided, single submitter. Criteria: LabCorp Variant Classification Summary - May 2015. Collection method: clinical testing. Allele origin: germline. Not counted in ClinVar's aggregate classification.
Comment: Variant summary: PTPN11 c.1449T>G (p.Gly483Gly) alters a non-conserved nucleotide located close to a canonical splice site and therefore could affect mRNA splicing, leading to a significantly altered protein sequence. 5/5 computational tools predict no significant impact on normal splicing. However, these predictions have yet to be confirmed by functional studies. The variant allele was found at a frequency of 3.2e-05 in 251432 control chromosomes. The available data on variant occurrences in the general population are insufficient to allow any conclusion about variant significance. c.1449T>G has been reported in the literature as a polymorphism in a validation set used for a massive parallel sequencing (MPS)-based strategy for the molecular diagnosis of neuro-cardio-facio-cutaneous syndromes (NCFCS) (example, Justino_2015). These report(s) do not provide unequivocal conclusions about association of the variant with Noonan Syndrome. To our knowledge, no experimental evidence demonstrating an impact on protein function has been reported. Multiple clinical diagnostic laboratories and the ClinGen RASopathy Variant Curation Expert Panel have submitted clinical-significance assessments for this variant to ClinVar after 2014 with a predominant consensus as likely benign (VUS, n=2). Based on the evidence outlined above, the variant was classified as likely benign.

GeneDx
Classification: Likely benign. Last evaluated: 2021-02-11. Review status: criteria provided, single submitter. Criteria: GeneDx Variant Classification Process June 2021. Collection method: clinical testing. Allele origin: germline. Affected: yes. Not counted in ClinVar's aggregate classification.

Genetic Services Laboratory, University of Chicago
Classification: Likely benign. Last evaluated: 2019-07-24. Review status: criteria provided, single submitter. Criteria: ACMG Guidelines, 2015. Collection method: clinical testing. Allele origin: germline. Affected: no. Not counted in ClinVar's aggregate classification.

Illumina Laboratory Services, Illumina
Classification: Likely benign for LEOPARD syndrome 1. Last evaluated: 2018-01-13. Review status: criteria provided, single submitter. Criteria: ICSL Variant Classification Criteria 13 December 2019. Collection method: clinical testing. Allele origin: germline. Not counted in ClinVar's aggregate classification.
Comment: This variant was observed in the ICSL laboratory as part of a predisposition screen in an ostensibly healthy population. It had not been previously curated by ICSL or reported in the Human Gene Mutation Database (HGMD: prior to June 1st, 2018), and was therefore a candidate for classification through an automated scoring system. Utilizing variant allele frequency, disease prevalence and penetrance estimates, and inheritance mode, an automated score was calculated to assess if this variant is too frequent to cause the disease. Based on the score and internal cut-off values, a variant classified as likely benign is not then subjected to further curation. The score for this variant resulted in a classification of likely benign for this disease.

Illumina Laboratory Services, Illumina
Classification: Uncertain significance for Noonan syndrome 1. Last evaluated: 2018-01-13. Review status: criteria provided, single submitter. Criteria: ICSL Variant Classification Criteria 13 December 2019. Collection method: clinical testing. Allele origin: germline. Not counted in ClinVar's aggregate classification.

Illumina Laboratory Services, Illumina
Classification: Likely benign for Metachondromatosis. Last evaluated: 2018-01-13. Review status: criteria provided, single submitter. Criteria: ICSL Variant Classification Criteria 13 December 2019. Collection method: clinical testing. Allele origin: germline. Not counted in ClinVar's aggregate classification.
Comment: the same text as in the submission from Illumina Laboratory Services, Illumina above.

Ambry Genetics
Classification: Likely benign for Cardiovascular phenotype. Last evaluated: 2017-06-16. Review status: criteria provided, single submitter. Criteria: Ambry Variant Classification Scheme 2023. Collection method: clinical testing. Allele origin: germline. Not counted in ClinVar's aggregate classification.

Eurofins Ntd Llc (ga)
Classification: Uncertain significance. Last evaluated: 2016-04-25. Review status: criteria provided, single submitter. Criteria: EGL Classification Definitions 2015. Collection method: clinical testing. Allele origin: germline. Observed: 1 variant allele, 1 heterozygote. Not counted in ClinVar's aggregate classification.

Laboratory for Molecular Medicine, Mass General Brigham Personalized Medicine
Classification: Likely benign. Last evaluated: 2008-03-01. Review status: criteria provided, single submitter. Criteria: LMM Criteria. Collection method: clinical testing. Allele origin: germline. Observed: 2 variant alleles. Not counted in ClinVar's aggregate classification.

Literature cited by the submitters: PubMed 15385933 (cited by Women's Health and Genetics/Laboratory Corporation of America, LabCorp); PubMed 14644997 (cited by Women's Health and Genetics/Laboratory Corporation of America, LabCorp); PubMed 24896146 (cited by Women's Health and Genetics/Laboratory Corporation of America, LabCorp); PubMed 25097206 (cited by Women's Health and Genetics/Laboratory Corporation of America, LabCorp); PubMed 19047918 (cited by Women's Health and Genetics/Laboratory Corporation of America, LabCorp); PubMed 17972951 (cited by Women's Health and Genetics/Laboratory Corporation of America, LabCorp); PubMed 15710330 (cited by Women's Health and Genetics/Laboratory Corporation of America, LabCorp); PubMed 25395418 (cited by Women's Health and Genetics/Laboratory Corporation of America, LabCorp); PubMed 27276561 (cited by Women's Health and Genetics/Laboratory Corporation of America, LabCorp); PubMed 27069254 (cited by Women's Health and Genetics/Laboratory Corporation of America, LabCorp).